The following is an entry in ClinVar:

ClinVar aggregate classification (germline): Uncertain significance (1 of 4 stars; one submission).

Conditions:
COG5-congenital disorder of glycosylation. Also called: COG5-CDG; CONGENITAL DISORDER OF GLYCOSYLATION, TYPE IIi; CDG IIi. Identifiers: Orphanet 263487, MedGen C3150876, MONDO:0013325, OMIM 613612.

Allele frequency attached by ClinVar (database versions not stated): gnomAD exomes below 0.00001; gnomAD 0.00002; TOPMed 0.00002.
gnomAD v4.1: 9 of 1,614,084 alleles (0.00056%); highest among the groups gnomAD compares: African/African-American, 0.012%; no homozygotes.

Submission:

Labcorp Genetics (formerly Invitae), Labcorp
Classification: Uncertain significance for COG5-congenital disorder of glycosylation. Last evaluated: 2022-08-13. Review status: criteria provided, single submitter. Criteria: Invitae Variant Classification Sherloc (09022015). Collection method: clinical testing. Allele origin: germline.
Comment: In summary, the available evidence is currently insufficient to determine the role of this variant in disease. Therefore, it has been classified as a Variant of Uncertain Significance. Algorithms developed to predict the effect of missense changes on protein structure and function are either unavailable or do not agree on the potential impact of this missense change (SIFT: "Deleterious"; PolyPhen-2: "Benign"; Align-GVGD: "Class C25"). ClinVar contains an entry for this variant (Variation ID: 1447762). This variant has not been reported in the literature in individuals affected with COG5-related conditions. This variant is not present in population databases (gnomAD no frequency). This sequence change replaces isoleucine, which is neutral and non-polar, with threonine, which is neutral and polar, at codon 705 of the COG5 protein (p.Ile705Thr).

NM_006348.5(COG5):c.2021T>C (p.Ile674Thr)

Gene: COG5 (component of oligomeric golgi complex 5; minus strand). Cytogenetic location: 7q22.3.
Variant type: single nucleotide variant.
Coding change: c.2021T>C on transcript NM_006348.5 (MANE Select); coding-DNA position 2021, T replaced by C.
Protein change: p.Ile674Thr; replaces isoleucine 674 with threonine.
Molecular consequence: missense variant. On other transcripts: intron variant (1).
Genome position (GRCh38, 1-based): chr7:107,236,520, A>G on the plus strand (T>C on the coding strand, the complement: COG5 is on the minus strand). VCF-style: chr7-107236520-A-G. GRCh37 (hg19) VCF-style: chr7-106876965-A-G.
Other names: c.2021T>C, p.Ile674Thr (NM_001161520.2, NM_001379513.1); c.1859T>C, p.Ile620Thr (NM_001379511.1); c.1847T>C, p.Ile616Thr (NM_001379512.1); c.1451T>C, p.Ile484Thr (NM_001379515.1); c.1307T>C, p.Ile436Thr (NM_001379516.1); c.1958T>C, p.Ile653Thr (NM_181733.4); c.1853+11876T>C (NM_001379514.1); short protein forms I484T, I653T, I436T, I620T, I616T, I674T.
Identifiers: ClinVar variation 1447762 (VCV001447762.6), dbSNP rs933746900, ClinGen allele CA164682319.
Genomic context (GRCh38, chr7:107,236,520, plus strand): 5'-TCAGCAGCAAGTCGCATTTTCCCACCTTCACCAAGAGGTCTTATGAGACTGGCATGGCGG[A>G]TAAAAAGTTCAACAGCTCTTTGGGCAATAGCCTCAGTGTTGTCAAAGACAAAATCCAAGC-3'
Protein context (NP_006339.4, residues 664-684): AIAQRAVELF[Ile674Thr]RHASLIRPLG